The following is an entry in ClinVar:

NM_000165.5(GJA1):c.989C>G (p.Ser330Cys)

Gene: GJA1 (gap junction protein alpha 1; plus strand). Cytogenetic location: 6q22.31.
Variant type: single nucleotide variant.
Coding change: c.989C>G on transcript NM_000165.5 (MANE Select); coding-DNA position 989, C replaced by G.
Protein change: p.Ser330Cys; replaces serine 330 with cysteine.
Molecular consequence: missense variant.
Genome position (GRCh38, 1-based): chr6:121,447,836, C>G. VCF-style: chr6-121447836-C-G. GRCh37 (hg19) VCF-style: chr6-121768982-C-G.
Other names: short protein forms S330C.
Identifiers: ClinVar variation 3706834 (VCV003706834.2).

ClinVar aggregate classification (germline): Uncertain significance (1 of 4 stars; one submission).

Conditions:
Oculodentodigital dysplasia, autosomal recessive. Also called: OCULODENTOOSSEOUS DYSPLASIA, AUTOSOMAL RECESSIVE; ODDD, AUTOSOMAL RECESSIVE; ODOD, AUTOSOMAL RECESSIVE. Identifiers: Orphanet 2710, MedGen C2749477, MONDO:0009768, OMIM 257850.

gnomAD v4.1: 1 of 1,613,870 alleles (0.000062%); highest among the groups gnomAD compares: Admixed American, 0.0017%; no homozygotes.

Submission:

Labcorp Genetics (formerly Invitae), Labcorp
Classification: Uncertain significance for Oculodentodigital dysplasia, autosomal recessive. Last evaluated: 2024-09-29. Review status: criteria provided, single submitter. Criteria: Invitae Variant Classification Sherloc (09022015). Collection method: clinical testing. Allele origin: germline.
Comment: This sequence change replaces serine, which is neutral and polar, with cysteine, which is neutral and slightly polar, at codon 330 of the GJA1 protein (p.Ser330Cys). This variant is present in population databases (rs780154529, gnomAD 0.003%). This variant has not been reported in the literature in individuals affected with GJA1-related conditions. Invitae Evidence Modeling of protein sequence and biophysical properties (such as structural, functional, and spatial information, amino acid conservation, physicochemical variation, residue mobility, and thermodynamic stability) indicates that this missense variant is not expected to disrupt GJA1 protein function with a negative predictive value of 80%. In summary, the available evidence is currently insufficient to determine the role of this variant in disease. Therefore, it has been classified as a Variant of Uncertain Significance.